The following is an entry in ClinVar:

NM_002470.4(MYH3):c.2395C>A (p.Arg799Ser)

Gene: MYH3 (myosin heavy chain 3; minus strand). Cytogenetic location: 17p13.1.
Variant type: single nucleotide variant.
Coding change: c.2395C>A on transcript NM_002470.4 (MANE Select); coding-DNA position 2395, C replaced by A.
Protein change: p.Arg799Ser; replaces arginine 799 with serine.
Molecular consequence: missense variant.
Genome position (GRCh38, 1-based): chr17:10,640,364, G>T on the plus strand (C>A on the coding strand, the complement: MYH3 is on the minus strand). VCF-style: chr17-10640364-G-T. GRCh37 (hg19) VCF-style: chr17-10543681-G-T.
Other names: short protein forms R799S.
Identifiers: ClinVar variation 2040928 (VCV002040928.5), dbSNP rs146342659, ClinGen allele CA8392774.
Genomic context (GRCh38, chr17:10,640,364, plus strand): 5'-CTCATGTCTGAACAAAGACCCTGCTGGACCTCCTCTGCACCATCTTCTGGAATTCCACAC[G>T]CATGAGGAACCCTCTGCACACAGCTTGTGTCCGGGTGATTAGTTTGGCCAGGCGGTCATC-3'
Protein context (NP_002461.2, residues 789-809): TQAVCRGFLM[Arg799Ser]VEFQKMVQRR

ClinVar aggregate classification (germline): Uncertain significance. Review status: criteria provided, multiple submitters, no conflicts (2 of 4 stars). 2 submissions from 2 submitters: Uncertain significance (2). Last evaluated 2025-12-15.

Allele frequency attached by ClinVar (database versions not stated): ESP Exome Variant Server 0.00008.
gnomAD v4.1: 66 of 1,614,056 alleles (0.0041%); highest among the groups gnomAD compares: Non-Finnish European, 0.0053%; no homozygotes.

Submissions (2):

Labcorp Genetics (formerly Invitae), Labcorp
Classification: Uncertain significance. Last evaluated: 2025-12-15. Review status: criteria provided, single submitter. Criteria: Invitae Variant Classification Sherloc (09022015). Collection method: clinical testing. Allele origin: germline.
Comment: This sequence change replaces arginine, which is basic and polar, with serine, which is neutral and polar, at codon 799 of the MYH3 protein (p.Arg799Ser). This variant is present in population databases (rs146342659, gnomAD 0.006%). This variant has not been reported in the literature in individuals affected with MYH3-related conditions. ClinVar contains an entry for this variant (Variation ID: 2040928). Invitae Evidence Modeling of protein sequence and biophysical properties (such as structural, functional, and spatial information, amino acid conservation, physicochemical variation, residue mobility, and thermodynamic stability) has been performed for this missense variant. However, the output from this modeling did not meet the statistical confidence thresholds required to predict the impact of this variant on MYH3 protein function. In summary, the available evidence is currently insufficient to determine the role of this variant in disease. Therefore, it has been classified as a Variant of Uncertain Significance.

Women's Health and Genetics/Laboratory Corporation of America, LabCorp
Classification: Uncertain significance. Last evaluated: 2025-09-16. Review status: criteria provided, single submitter. Criteria: LabCorp Variant Classification Summary - May 2015. Collection method: clinical testing. Allele origin: germline.
Comment: Variant summary: MYH3 c.2395C>A (p.Arg799Ser) results in a non-conservative amino acid change in the encoded protein sequence. Algorithms developed to predict the effect of missense changes on protein structure and function all suggest that this variant is likely to be disruptive. The variant allele was found at a frequency of 2.8e-05 in 251486 control chromosomes (gnomAD). The available data on variant occurrences in the general population are insufficient to allow any conclusion about variant significance. c.2395C>A has been observed in at least one individual affected with MYH3-Related Disorders (Radio_2021). The report does not provide unequivocal conclusions about association of the variant with MYH3-Related Disorders. To our knowledge, no experimental evidence demonstrating an impact on protein function has been reported. The following publication has been ascertained in the context of this evaluation (PMID: 33596411). ClinVar contains an entry for this variant (Variation ID: 2040928). Based on the evidence outlined above, the variant was classified as uncertain significance.

Literature cited by the submitters: PubMed 33596411 (cited by Women's Health and Genetics/Laboratory Corporation of America, LabCorp).